The following is an entry in ClinVar:

ClinVar aggregate classification (germline): Pathogenic. Review status: criteria provided, multiple submitters, no conflicts (2 of 4 stars). 6 submissions from 6 submitters: Pathogenic (6). Last evaluated 2025-10-09.

Conditions:
Deficiency of acetyl-CoA acetyltransferase. Also called: 3-KETOTHIOLASE DEFICIENCY; 3-OXOTHIOLASE DEFICIENCY; Beta-ketothiolase deficiency; MITOCHONDRIAL ACETOACETYL-CoA THIOLASE DEFICIENCY. Identifiers: Orphanet 134, MedGen C1536500, MONDO:0008760, OMIM 203750. Disease mechanism: loss of function.

Submissions (6):

Dasa
Classification: Pathogenic. Last evaluated: 2025-10-09. Review status: criteria provided, single submitter. Criteria: DASA Assertion Criteria. Collection method: clinical testing. Allele origin: germline.
Comment: NM_000019.4(ACAT1):c.52dup (p.Leu18Profs*49) introduces a premature termination codon predicted to result in loss of normal protein function. Loss-of-function is an established mechanism of disease for this gene. Segregation evidence has been reported in affected families. This variant has been recurrently observed in affected individuals with related phenotype in a genotype context consistent with recessive disease (PMID: 28255778; PMID: 31268215; PMID: 15128923; PMID: 21669895). Functional evidence supports a deleterious effect on the gene or gene product (PMID: 28255778; PMID: 31268215; PMID: 15128923; PMID: 21669895). The variant is present at low frequency in population datasets. Based on the available data, this variant is classified as pathogenic.

Natera, Inc.
Classification: Pathogenic for Alpha-methylacetoacetic aciduria. Last evaluated: 2025-06-23. Review status: criteria provided, single submitter. Criteria: Natera Variant Classification Schema (03/2026). Collection method: clinical testing. Allele origin: germline.
Comment: The c.52dup variant in ACAT1 is a frameshift variant predicted to shift the reading frame beginning at codon 18 and leads to a stop codon 49 codons downstream. This variant is expected to result in nonsense mediated decay, truncation, or a dysfunctional protein product. This variant is rare in the general population with a frequency below the threshold expected for the associated phenotype(s). This variant has been observed in one or more individuals affected with the associated recessive disease, as either homozygous or compound heterozygous with a second variant (PMID: 21669895). Given the available evidence, this variant is classified as Pathogenic.

Women's Health and Genetics/Laboratory Corporation of America, LabCorp
Classification: Pathogenic for Deficiency of acetyl-CoA acetyltransferase. Last evaluated: 2025-03-05. Review status: criteria provided, single submitter. Criteria: LabCorp Variant Classification Summary - May 2015. Collection method: clinical testing. Allele origin: germline.
Comment: Variant summary: ACAT1 c.52dupC (p.Leu18ProfsX49) results in a premature termination codon, predicted to cause a truncation of the encoded protein or absence of the protein due to nonsense mediated decay, which are commonly known mechanisms for disease. The variant allele was found at a frequency of 2.7e-05 in 148716 control chromosomes. c.52dupC has been reported in the literature in individuals affected with Mitochondrial Acetoacetyl-CoA Thiolase Deficiency (Paquay_2017, Zhang_2004_Sarafoglou_2011). These data indicate that the variant is likely to be associated with disease. At least one publication reports experimental evidence evaluating an impact on protein function. The most pronounced variant effect results in <10% of normal activity (Paquay_2017, Zhang_2004). The following publications have been ascertained in the context of this evaluation (PMID: 21669895, 15128923). ClinVar contains an entry for this variant (Variation ID: 633029). Based on the evidence outlined above, the variant was classified as pathogenic.

Baylor Genetics
Classification: Pathogenic for Deficiency of acetyl-CoA acetyltransferase. Last evaluated: 2023-12-21. Review status: criteria provided, single submitter. Criteria: ACMG Guidelines, 2015. Collection method: clinical testing. Allele origin: unknown.

Labcorp Genetics (formerly Invitae), Labcorp
Classification: Pathogenic for Deficiency of acetyl-CoA acetyltransferase. Last evaluated: 2023-11-24. Review status: criteria provided, single submitter. Criteria: Invitae Variant Classification Sherloc (09022015). Collection method: clinical testing. Allele origin: germline.
Comment: This sequence change creates a premature translational stop signal (p.Leu18Profs*49) in the ACAT1 gene. It is expected to result in an absent or disrupted protein product. Loss-of-function variants in ACAT1 are known to be pathogenic (PMID: 7749408). This variant is present in population databases (no rsID available, gnomAD 0.008%). This premature translational stop signal has been observed in individuals with beta-ketothiolase deficiency (PMID: 15128923, 21669895). ClinVar contains an entry for this variant (Variation ID: 633029). For these reasons, this variant has been classified as Pathogenic.

Department of Pediatrics, Gifu University
Classification: Pathogenic for Deficiency of acetyl-CoA acetyltransferase. Last evaluated: 2019-05-05. Review status: criteria provided, single submitter. Criteria: ACMG Guidelines, 2015. Collection method: research. Allele origin: germline. Affected: yes. Observed: 3 variant alleles. Clinical features observed: Ketoacidosis, Altered mental status.

Literature cited by the submitters: PubMed 28255778 (cited by Dasa); PubMed 31268215 (cited by Dasa and Department of Pediatrics, Gifu University); PubMed 15128923 (cited by 3 submitters); PubMed 21669895 (cited by 4 submitters); PubMed 7749408 (cited by Labcorp Genetics (formerly Invitae), Labcorp).

NM_000019.4(ACAT1):c.52dup (p.Leu18fs)

Gene: ACAT1 (acetyl-CoA acetyltransferase 1; plus strand). Cytogenetic location: 11q22.3.
Variant type: Duplication.
Coding change: c.52dup on transcript NM_000019.4 (MANE Select); coding-DNA position 52, one base duplicated (C; older notation c.52dupC).
Protein change: p.Leu18fs; shifts the reading frame from leucine 18.
Molecular consequence: frameshift variant.
Genome position (GRCh38, 1-based): chr11:108,121,658, C duplicated; the last of 5 consecutive C bases (chr11:108,121,654-108,121,658); duplicating any one gives the same sequence. VCF-style (leftmost placement, unchanged base first): chr11-108121653-G-GC. GRCh37 (hg19) VCF-style: chr11-107992380-G-GC.
Other names: c.52dupC (NM_000019.4, NM_000019.3); short protein forms L18fs.
Identifiers: ClinVar variation 633029 (VCV000633029.15), dbSNP rs1476273214, ClinGen allele CA601959393.